The following is an entry in ClinVar:

ClinVar aggregate classification (germline): Benign/Likely benign. Review status: criteria provided, multiple submitters, no conflicts (2 of 4 stars). 4 submissions from 4 submitters: Benign (1); Likely benign (3). Last evaluated 2026-01-29.

Submissions (4):

Labcorp Genetics (formerly Invitae), Labcorp
Classification: Benign. Last evaluated: 2026-01-29. Review status: criteria provided, single submitter. Criteria: Invitae Variant Classification Sherloc (09022015). Collection method: clinical testing. Allele origin: germline.

ARUP Laboratories, Molecular Genetics and Genomics, ARUP Laboratories
Classification: Likely benign. Last evaluated: 2025-07-30. Review status: criteria provided, single submitter. Criteria: ARUP Molecular Germline Variant Investigation Process 2024. Collection method: clinical testing. Allele origin: germline.

Mayo Clinic Laboratories, Mayo Clinic
Classification: Likely benign. Last evaluated: 2025-05-21. Review status: criteria provided, single submitter. Criteria: ACMG Guidelines, 2015. Collection method: clinical testing. Allele origin: germline. Observed: 17 variant alleles.
Comment: BS1, BP4, BP7

Blueprint Genetics
Classification: Likely benign. Last evaluated: 2024-11-27. Review status: criteria provided, single submitter. Criteria: ACMG Guidelines, 2015. Collection method: clinical testing. Allele origin: germline.

NM_001365088.1(SLC12A6):c.317-14dup

Gene: SLC12A6 (solute carrier family 12 member 6; minus strand). Cytogenetic location: 15q14.
Variant type: Duplication.
Coding change: c.317-14dup on transcript NM_001365088.1 (MANE Select); 14 bases into the intron before coding-DNA position 317, one base duplicated (T; older notation c.317-14dupT).
Molecular consequence: intron variant.
Genome position (GRCh38, 1-based): chr15:34,261,025, A duplicated on the plus strand (T on the coding strand, the reverse complement: SLC12A6 is on the minus strand); the first of 10 consecutive A bases (chr15:34,261,025-34,261,034); duplicating any one gives the same sequence. VCF-style (leftmost placement, unchanged base first): chr15-34261024-G-GA. GRCh37 (hg19) VCF-style: chr15-34553225-G-GA.
Other names: p.?; c.317-5dup (NM_133647.1); c.140-14dup (NM_001042495.2, NM_001042494.2); c.290-14dup (NM_001042496.2); c.272-14dup (NM_001042497.2); c.317-14dup (NM_133647.2); c.164-14dup (NM_005135.2).
Identifiers: ClinVar variation 1164348 (VCV001164348.10), dbSNP rs747243268, ClinGen allele CA7464597.
Genomic context (GRCh38, chr15:34,261,024, plus strand): 5'-CTTCTTCATAATTGGAATTATTGAGATAAGCATTTCGAGCTTTCTTATGTCCGTCGTCTG[G>GA]AAAAAAAAAAGTAGACCAAGTTAGTTTCTCACTGGTTTCTGACGAAGAAACATCAGCACC-3'